The following is an entry in ClinVar:

NM_015166.4(MLC1):c.833A>G (p.Tyr278Cys)

Gene: MLC1 (modulator of VRAC current 1; minus strand). Cytogenetic location: 22q13.33.
Variant type: single nucleotide variant.
Coding change: c.833A>G on transcript NM_015166.4 (MANE Select); coding-DNA position 833, A replaced by G.
Protein change: p.Tyr278Cys; replaces tyrosine 278 with cysteine.
Molecular consequence: missense variant. On other transcripts: non-coding transcript variant (3).
Genome position (GRCh38, 1-based): chr22:50,068,494, T>C on the plus strand (A>G on the coding strand, the complement: MLC1 is on the minus strand). VCF-style: chr22-50068494-T-C. GRCh37 (hg19) VCF-style: chr22-50506923-T-C.
Other names: c.833A>G, p.Tyr278Cys (NM_001376472.1, NM_001376473.1, NM_001376474.1 and 5 more transcripts); c.776A>G, p.Tyr259Cys (NM_001376479.1); c.743A>G, p.Tyr248Cys (NM_001376480.1); c.731A>G, p.Tyr244Cys (NM_001376481.1); c.677A>G, p.Tyr226Cys (NM_001376482.1, NM_001376483.1); c.596A>G, p.Tyr199Cys (NM_001376484.1); short protein forms Y278C, Y199C, Y226C, Y244C, Y248C, Y259C.
Identifiers: ClinVar variation 626279 (VCV000626279.6), dbSNP rs1569244190, ClinGen allele CA412107693.

ClinVar aggregate classification (germline): Conflicting classifications of pathogenicity. Review status: criteria provided, conflicting classifications (1 of 4 stars). 5 submissions from 5 submitters: Likely pathogenic (1); Uncertain significance (2). 2 of the submissions do not count toward it. Last evaluated 2023-12-12.

Conditions:
Megalencephalic leukoencephalopathy with subcortical cysts 1 (MLC1). Also called: LEUKOENCEPHALOPATHY WITH SWELLING AND CYSTS; VACUOLATING MEGALENCEPHALIC LEUKOENCEPHALOPATHY WITH SUBCORTICAL CYSTS. Identifiers: Orphanet 2478, MedGen C5779875, MONDO:0024555, OMIM 604004.

Allele frequency attached by ClinVar (database versions not stated): gnomAD exomes below 0.00001.
gnomAD v4.1: 2 of 1,613,910 alleles (0.00012%); highest among the groups gnomAD compares: South Asian, 0.0022%; no homozygotes.

Submissions (5):

Institute of Medical Genetics and Applied Genomics, University Hospital Tübingen
Classification: Uncertain significance for Megalencephalic leukoencephalopathy with subcortical cysts 1. Last evaluated: 2023-12-12. Review status: criteria provided, single submitter. Criteria: ACMG Guidelines, 2015. Collection method: clinical testing. Allele origin: germline. Inheritance: Autosomal recessive inheritance. Affected: yes.

Molecular Diagnostics Lab, Nemours Children's Health, Delaware
Classification: Likely pathogenic for Megalencephalic leukoencephalopathy with subcortical cysts 1. Last evaluated: 2021-02-10. Review status: criteria provided, single submitter. Criteria: ACMG Guidelines, 2015. Collection method: clinical testing. Allele origin: maternal, paternal, unknown. Inheritance: Autosomal recessive inheritance. Affected: yes and no. Observed: 1 heterozygote, 2 compound heterozygotes. Clinical features observed: Megalencephaly (HP:0001355), Premature rupture of membranes (HP:0002163), Cerebral hypomyelination (HP:0006808).
Comment: This missense variant (c.833A>G, p.Tyr278Cys) has not been observed in population databases, although it has been reported in the literature (PMID 31178897). There is no consensus as to the classification of this change based on variant prediction programs, and no functional studies have been published.

Broad Center for Mendelian Genomics, Broad Institute of MIT and Harvard
Classification: Uncertain significance for Megalencephalic leukoencephalopathy with subcortical cysts 1. Last evaluated: 2018-11-15. Review status: criteria provided, single submitter. Criteria: ACMG Guidelines, 2015. Collection method: research. Allele origin: germline. Inheritance: Autosomal recessive inheritance. Affected: yes.
Comment: This variant was absent from large population studies. Computational prediction tools and conservation analyses suggest that this variant may impact the protein, though this information is not predictive enough to determine pathogenicity. In summary, the clinical significance of the p.Pro441Leu variant is uncertain.

Leeds Institute of Medical Research, University of Leeds
Classification: Pathogenic for Megalencephalic leukoencephalopathy with subcortical cysts 1. Last evaluated: 2025-01-27. Review status: no assertion criteria provided. Collection method: research. Allele origin: germline. Affected: yes. Observed: 5 variant alleles. Not counted in ClinVar's aggregate classification.
Comment: This homozygous missense variant in MLC1 gene, NM_015166.3:c.833A>G; p.(Tyr278Cys), segregated in the family with megalencephalic leukoencephalopathy with subcortical cysts 1 (OMIM# 604004). It has a gnomAD v.4.0.1 (Exomes) maf of 0.000001368 (0.00002196 in South Asia). This variant has a CADD-Phred score of 23.7 and was predicted to be deleterious by MutationTaster, DANN and Varity. It is classified as pathogenic according to ACMG criteria with indicators including PP3, PS3, PP8, PM1, PM2.

Biochemistry Laboratory of CDMU, Chengde Medical University
Classification: Likely pathogenic for Megalencephalic leukoencephalopathy with subcortical cysts 1. Review status: no assertion criteria provided. Criteria: ACMG Guidelines, 2015. Collection method: case-control. Allele origin: inherited. Affected: yes. Not counted in ClinVar's aggregate classification.

Literature cited by the submitters: PubMed 31178897 (cited by Molecular Diagnostics Lab, Nemours Children's Health, Delaware).